The following is an entry in ClinVar:

NM_002234.4(KCNA5):c.569A>G (p.Asn190Ser)

Gene: KCNA5 (potassium voltage-gated channel subfamily A member 5; plus strand). Cytogenetic location: 12p13.32.
Variant type: single nucleotide variant.
Coding change: c.569A>G on transcript NM_002234.4 (MANE Select); coding-DNA position 569, A replaced by G.
Protein change: p.Asn190Ser; replaces asparagine 190 with serine.
Molecular consequence: missense variant.
Genome position (GRCh38, 1-based): chr12:5,044,716, A>G. VCF-style: chr12-5044716-A-G. GRCh37 (hg19) VCF-style: chr12-5153882-A-G.
Other names: short protein forms N190S.
Identifiers: ClinVar variation 1502913 (VCV001502913.8), dbSNP rs200279465, ClinGen allele CA6399657.

ClinVar aggregate classification (germline): Uncertain significance (1 of 4 stars; one submission).

Conditions:
Atrial fibrillation, familial, 7 (ATFB7). Identifiers: MedGen C2677106, MONDO:0012828, OMIM 612240.

Allele frequency attached by ClinVar (database versions not stated): TOPMed below 0.00001.

Submission:

Labcorp Genetics (formerly Invitae), Labcorp
Classification: Uncertain significance for Atrial fibrillation, familial, 7. Last evaluated: 2025-10-25. Review status: criteria provided, single submitter. Criteria: Invitae Variant Classification Sherloc (09022015). Collection method: clinical testing. Allele origin: germline.
Comment: This sequence change replaces asparagine, which is neutral and polar, with serine, which is neutral and polar, at codon 190 of the KCNA5 protein (p.Asn190Ser). This variant is not present in population databases (gnomAD no frequency). This variant has not been reported in the literature in individuals affected with KCNA5-related conditions. ClinVar contains an entry for this variant (Variation ID: 1502913). Invitae Evidence Modeling of protein sequence and biophysical properties (such as structural, functional, and spatial information, amino acid conservation, physicochemical variation, residue mobility, and thermodynamic stability) indicates that this missense variant is not expected to disrupt KCNA5 protein function with a negative predictive value of 80%. In summary, the available evidence is currently insufficient to determine the role of this variant in disease. Therefore, it has been classified as a Variant of Uncertain Significance.